The following is an entry in ClinVar:

NM_000257.4(MYH7):c.400T>A (p.Tyr134Asn)

Gene: MYH7 (myosin heavy chain 7; minus strand). Cytogenetic location: 14q11.2.
Variant type: single nucleotide variant.
Coding change: c.400T>A on transcript NM_000257.4 (MANE Select); coding-DNA position 400, T replaced by A.
Protein change: p.Tyr134Asn; replaces tyrosine 134 with asparagine.
Molecular consequence: missense variant.
Genome position (GRCh38, 1-based): chr14:23,432,741, A>T on the plus strand (T>A on the coding strand, the complement: MYH7 is on the minus strand). VCF-style: chr14-23432741-A-T. GRCh37 (hg19) VCF-style: chr14-23901950-A-T.
Other names: c.400T>A, p.Tyr134Asn (NM_001407004.1); short protein forms Y134N.
Identifiers: ClinVar variation 3901700 (VCV003901700.1).

ClinVar aggregate classification (germline): Uncertain significance (1 of 4 stars; one submission).

Submission:

GeneDx
Classification: Uncertain significance. Last evaluated: 2024-12-03. Review status: criteria provided, single submitter. Criteria: GeneDx Variant Classification Process June 2021. Collection method: clinical testing. Allele origin: germline. Affected: yes.
Comment: Not observed at significant frequency in large population cohorts (gnomAD); In silico analysis supports that this missense variant has a deleterious effect on protein structure/function; Has not been previously published as pathogenic or benign to our knowledge; Located in the myosin motor domain, a region enriched with missense variants reported in association with HCM (PMID: 27532257, 29300372); This variant is associated with the following publications: (PMID: 27532257, 29300372)